The following is an entry in ClinVar:

NM_005876.5(SPEG):c.3269C>T (p.Thr1090Ile)

Gene: SPEG (striated muscle enriched protein kinase; plus strand). Cytogenetic location: 2q35.
Variant type: single nucleotide variant.
Coding change: c.3269C>T on transcript NM_005876.5 (MANE Select); coding-DNA position 3269, C replaced by T.
Protein change: p.Thr1090Ile; replaces threonine 1090 with isoleucine.
Molecular consequence: missense variant.
Genome position (GRCh38, 1-based): chr2:219,468,704, C>T. VCF-style: chr2-219468704-C-T. GRCh37 (hg19) VCF-style: chr2-220333426-C-T.
Other names: short protein forms T1090I.
Identifiers: ClinVar variation 1439139 (VCV001439139.6), dbSNP rs547314352, ClinGen allele CA2126109.

ClinVar aggregate classification (germline): Uncertain significance (1 of 4 stars; one submission).

Allele frequency attached by ClinVar (database versions not stated): TOPMed below 0.00001; gnomAD 0.00001; gnomAD exomes 0.00004; ExAC 0.00007; 1000 Genomes Project 30x 0.00016; 1000 Genomes Project 0.00020.
gnomAD v4.1: 60 of 1,614,168 alleles (0.0037%); highest among the groups gnomAD compares: South Asian, 0.042%; no homozygotes.

Submission:

Labcorp Genetics (formerly Invitae), Labcorp
Classification: Uncertain significance. Last evaluated: 2022-08-31. Review status: criteria provided, single submitter. Criteria: Invitae Variant Classification Sherloc (09022015). Collection method: clinical testing. Allele origin: germline.
Comment: ClinVar contains an entry for this variant (Variation ID: 1439139). In summary, the available evidence is currently insufficient to determine the role of this variant in disease. Therefore, it has been classified as a Variant of Uncertain Significance. Algorithms developed to predict the effect of missense changes on protein structure and function are either unavailable or do not agree on the potential impact of this missense change (SIFT: "Deleterious"; PolyPhen-2: "Benign"; Align-GVGD: "Class C0"). This variant has not been reported in the literature in individuals affected with SPEG-related conditions. This variant is present in population databases (rs547314352, gnomAD 0.03%). This sequence change replaces threonine, which is neutral and polar, with isoleucine, which is neutral and non-polar, at codon 1090 of the SPEG protein (p.Thr1090Ile).